The following is an entry in ClinVar:

ClinVar aggregate classification (germline): Conflicting classifications of pathogenicity. Review status: criteria provided, conflicting classifications (1 of 4 stars). 2 submissions from 2 submitters: Uncertain significance (1); Likely benign (1). Last evaluated 2023-03-23.

Conditions:
Hereditary cancer-predisposing syndrome. Also called: Neoplastic Syndromes, Hereditary; Tumor predisposition; Hereditary neoplastic syndrome; Hereditary Cancer Syndrome. Identifiers: Orphanet 140162, MedGen C0027672, MeSH D009386, MONDO:0015356.
Hereditary breast ovarian cancer syndrome. Also called: Hereditary breast and ovarian cancer syndrome; Hereditary breast and ovarian cancer; BRCA1- and BRCA2-Associated Hereditary Breast and Ovarian Cancer; Hereditary breast and/or ovarian cancer syndrome; Hereditary breast and ovarian cancer syndrome (HBOC); Breast and ovarian cancer. Identifiers: Orphanet 145, MedGen C0677776, MeSH D061325, MONDO:0003582. Disease mechanism: loss of function.

Submissions (2):

University of Washington Department of Laboratory Medicine, University of Washington
Classification: Likely benign for Hereditary cancer-predisposing syndrome. Last evaluated: 2023-03-23. Review status: criteria provided, single submitter. Criteria: Dines et al. (Genet Med. 2020). Collection method: curation. Allele origin: germline.
Comment: Missense variant in a coldspot region where missense variants are very unlikely to be pathogenic (PMID:31911673).

BRCA1 coldspot (exon 11 using historical exon numbering). Reclassification based on statistical prior probability

Labcorp Genetics (formerly Invitae), Labcorp
Classification: Uncertain significance for Hereditary breast ovarian cancer syndrome. Last evaluated: 2021-11-01. Review status: criteria provided, single submitter. Criteria: Invitae Variant Classification Sherloc (09022015). Collection method: clinical testing. Allele origin: germline.
Comment: In summary, the available evidence is currently insufficient to determine the role of this variant in disease. Therefore, it has been classified as a Variant of Uncertain Significance. Advanced modeling of protein sequence and biophysical properties (such as structural, functional, and spatial information, amino acid conservation, physicochemical variation, residue mobility, and thermodynamic stability) performed at Invitae indicates that this missense variant is not expected to disrupt BRCA1 protein function. This variant has not been reported in the literature in individuals affected with BRCA1-related conditions. This variant is not present in population databases (gnomAD no frequency). This sequence change replaces leucine, which is neutral and non-polar, with isoleucine, which is neutral and non-polar, at codon 1186 of the BRCA1 protein (p.Leu1186Ile).

NM_007294.4(BRCA1):c.3556C>A (p.Leu1186Ile)

Genes: BRCA1 (BRCA1 DNA repair associated; minus strand), LOC126862571 (BRD4-independent group 4 enhancer GRCh37_chr17:41243136-41244335; plus strand). Cytogenetic location: 17q21.31.
Variant type: single nucleotide variant.
Coding change: c.3556C>A on transcript NM_007294.4 (MANE Select); coding-DNA position 3556, C replaced by A.
Protein change: p.Leu1186Ile; replaces leucine 1186 with isoleucine.
Molecular consequence: missense variant. On other transcripts: intron variant (135).
Genome position (GRCh38, 1-based): chr17:43,091,975, G>T on the plus strand (C>A on the coding strand, the complement: BRCA1 is on the minus strand). VCF-style: chr17-43091975-G-T. GRCh37 (hg19) VCF-style: chr17-41243992-G-T.
Other names: c.3412C>A, p.Leu1138Ile (NM_001407848.1, NM_001407849.1, NM_001407943.1 and 20 more transcripts); c.3415C>A, p.Leu1139Ile (NM_001407850.1, NM_001407851.1, NM_001407852.1 and 29 more transcripts); c.3343C>A, p.Leu1115Ile (NM_001407853.1, NM_001407894.1, NM_001407895.1 and 9 more transcripts); c.3556C>A, p.Leu1186Ile (NM_001407854.1, NM_001407858.1, NM_001407859.1 and 30 more transcripts); c.3553C>A, p.Leu1185Ile (NM_001407860.1, NM_001407861.1, NM_001407587.1 and 22 more transcripts); c.3355C>A, p.Leu1119Ile (NM_001407862.1); c.3433C>A, p.Leu1145Ile (NM_001407863.1, NM_001407919.1, NM_001407937.1 and 19 more transcripts); c.3352C>A, p.Leu1118Ile (NM_001407874.1, NM_001407875.1); and 41 more; short protein forms L1139I, L1186I, L1059I, L1074I, L1098I, L1159I, L890I, L1018I.
Identifiers: ClinVar variation 1390651 (VCV001390651.9), dbSNP rs1555587505, ClinGen allele CA10594854.